The following is an entry in ClinVar:

NR_199791.1(RNU2-2):n.129T>G

Genes: RNU2-2 (RNA, U2 small nuclear 2; minus strand), WDR74 (WD repeat domain 74; minus strand). Cytogenetic location: 11q12.3.
Variant type: single nucleotide variant.
Molecular consequence: non-coding transcript variant (on NR_199791.1). On other transcripts: 5 prime UTR variant (1).
Genome position: GRCh38 VCF-style: chr11-62841681-A-C. GRCh37 (hg19) VCF-style: chr11-62609153-A-C.
Other names: c.-410T>G (NM_001369451.1).
Identifiers: ClinVar variation 4540517 (VCV004540517.1).
Genomic context (GRCh38, chr11:62,841,681, plus strand): 5'-AGAGTGCACCGTTCCTGGAAGTACTGCAATACCAGGTCGATGCGTGGAGTGGACGGAGCA[A>C]GCTCCTATTCCATCTCCTATTTCCAAAAATCCATTTAATATATTGTCCTCGGATAGAGGA-3'

ClinVar aggregate classification (germline): Likely pathogenic (1 of 4 stars; one submission).

Conditions:
RNU2-2 related disorder.

Submission:

Institute for Human Genetics, University Hospital Essen
Classification: Likely pathogenic for RNU2-2 related disorder. Last evaluated: 2025-11-27. Review status: criteria provided, single submitter. Criteria: Submitter's publication. Collection method: clinical testing. Allele origin: inherited. Inheritance: Autosomal recessive inheritance. Affected: yes. Observed: 1 variant allele, 1 compound heterozygote.
Comment: PS4_supp, PM1_supp, PM2_supp, PM3, PP1 (criteria rationale detailed in Leitão et al. Nature Genetics 2026)